The following is an entry in ClinVar:

NM_015021.3(ZNF292):c.5563A>G (p.Thr1855Ala)

Gene: ZNF292 (zinc finger protein 292; plus strand). Cytogenetic location: 6q14.3.
Variant type: single nucleotide variant.
Coding change: c.5563A>G on transcript NM_015021.3 (MANE Select); coding-DNA position 5563, A replaced by G.
Protein change: p.Thr1855Ala; replaces threonine 1855 with alanine.
Molecular consequence: missense variant.
Genome position (GRCh38, 1-based): chr6:87,259,192, A>G. VCF-style: chr6-87259192-A-G. GRCh37 (hg19) VCF-style: chr6-87968910-A-G.
Other names: c.5143A>G, p.Thr1715Ala (NM_001351444.2); c.5563A>G (NM_015021.1); short protein forms T1715A, T1855A.
Identifiers: ClinVar variation 3239332 (VCV003239332.20), dbSNP rs370204704.

ClinVar aggregate classification (germline): Conflicting classifications of pathogenicity. Review status: criteria provided, conflicting classifications (1 of 4 stars). 2 submissions from 2 submitters: Uncertain significance (1); Likely benign (1). Last evaluated 2025-08-22.

Conditions:
Inborn genetic diseases. Identifiers: MedGen C0950123, MeSH D030342.

Allele frequency attached by ClinVar (database versions not stated): gnomAD 0.00003; TOPMed 0.00003; ESP Exome Variant Server 0.00008.
gnomAD v4.1: 19 of 1,613,388 alleles (0.0012%); highest among the groups gnomAD compares: African/African-American, 0.0027%; no homozygotes.

Submissions (2):

Ambry Genetics
Classification: Uncertain significance for Inborn genetic diseases. Last evaluated: 2025-08-22. Review status: criteria provided, single submitter. Criteria: Ambry Variant Classification Scheme 2023. Collection method: clinical testing. Allele origin: germline.

CeGaT Center for Human Genetics Tuebingen
Classification: Likely benign. Last evaluated: 2024-05-01. Review status: criteria provided, single submitter. Criteria: CeGaT Center For Human Genetics Tuebingen Variant Classification Criteria Version 2. Collection method: clinical testing. Allele origin: germline. Affected: yes. Observed: 1 variant allele.
Comment: ZNF292: BP4